The following is an entry in ClinVar:

NM_001853.4(COL9A3):c.973G>A (p.Gly325Ser)

Gene: COL9A3 (collagen type IX alpha 3 chain; plus strand). Cytogenetic location: 20q13.33.
Variant type: single nucleotide variant.
Coding change: c.973G>A on transcript NM_001853.4 (MANE Select); coding-DNA position 973, G replaced by A.
Protein change: p.Gly325Ser; replaces glycine 325 with serine.
Molecular consequence: missense variant.
Genome position (GRCh38, 1-based): chr20:62,828,941, G>A. VCF-style: chr20-62828941-G-A. GRCh37 (hg19) VCF-style: chr20-61460293-G-A.
Other names: short protein forms G325S.
Identifiers: ClinVar variation 1348051 (VCV001348051.9), dbSNP rs778391669, ClinGen allele CA9949647.
Genomic context (GRCh38, chr20:62,828,941, plus strand): 5'-GCCTCAGCCTCCCCTTCCGCACCCCAATCTCTGTCCTCACAGGGAGAGGCTGGTCGCAAC[G>A]GTGCTCCGGGAGAGAAGGGCCCCAACGGGCTGCCGGTGAGTGCCCGGCGGGTGGGGCCAG-3'
Protein context (NP_001844.3, residues 315-335): DGQKGEAGRN[Gly325Ser]APGEKGPNGL

ClinVar aggregate classification (germline): Uncertain significance. Review status: criteria provided, multiple submitters, no conflicts (2 of 4 stars). 2 submissions from 2 submitters: Uncertain significance (2). Last evaluated 2024-11-16.

Allele frequency attached by ClinVar (database versions not stated): ExAC 0.00002; gnomAD exomes 0.00002; TOPMed 0.00002; gnomAD 0.00003 and 0.00004.
gnomAD v4.1: 17 of 1,611,166 alleles (0.0011%); highest among the groups gnomAD compares: African/African-American, 0.012%; no homozygotes.

Submissions (2):

Labcorp Genetics (formerly Invitae), Labcorp
Classification: Uncertain significance. Last evaluated: 2024-11-16. Review status: criteria provided, single submitter. Criteria: Invitae Variant Classification Sherloc (09022015). Collection method: clinical testing. Allele origin: germline.
Comment: This sequence change replaces glycine, which is neutral and non-polar, with serine, which is neutral and polar, at codon 325 of the COL9A3 protein (p.Gly325Ser). This variant is present in population databases (rs778391669, gnomAD 0.02%). This variant has not been reported in the literature in individuals affected with COL9A3-related conditions. ClinVar contains an entry for this variant (Variation ID: 1348051). Invitae Evidence Modeling of protein sequence and biophysical properties (such as structural, functional, and spatial information, amino acid conservation, physicochemical variation, residue mobility, and thermodynamic stability) indicates that this missense variant is expected to disrupt COL9A3 protein function with a positive predictive value of 95%. In summary, the available evidence is currently insufficient to determine the role of this variant in disease. Therefore, it has been classified as a Variant of Uncertain Significance.

Blueprint Genetics
Classification: Uncertain significance. Last evaluated: 2022-11-09. Review status: criteria provided, single submitter. Criteria: ACMG Guidelines, 2015. Collection method: clinical testing. Allele origin: germline.